The following is an entry in ClinVar:

NM_181507.2(HPS5):c.1783G>T (p.Glu595Ter)

Gene: HPS5 (HPS5 biogenesis of lysosomal organelles complex 2 subunit 2; minus strand). Cytogenetic location: 11p15.1.
Variant type: single nucleotide variant.
Coding change: c.1783G>T on transcript NM_181507.2 (MANE Select); coding-DNA position 1783, G replaced by T.
Protein change: p.Glu595Ter; replaces glutamic acid 595 with a stop codon.
Molecular consequence: nonsense.
Genome position (GRCh38, 1-based): chr11:18,295,021, C>A on the plus strand (G>T on the coding strand, the complement: HPS5 is on the minus strand). VCF-style: chr11-18295021-C-A. GRCh37 (hg19) VCF-style: chr11-18316568-C-A.
Other names: c.1441G>T, p.Glu481Ter (NM_007216.4, NM_181508.2); short protein forms E595*, E481*.
Identifiers: ClinVar variation 2736411 (VCV002736411.3), dbSNP rs2494678682, ClinGen allele CA379492878.

ClinVar aggregate classification (germline): Pathogenic (1 of 4 stars; one submission).

Submission:

Labcorp Genetics (formerly Invitae), Labcorp
Classification: Pathogenic. Last evaluated: 2023-08-29. Review status: criteria provided, single submitter. Criteria: Invitae Variant Classification Sherloc (09022015). Collection method: clinical testing. Allele origin: germline.
Comment: This sequence change creates a premature translational stop signal (p.Glu595*) in the HPS5 gene. It is expected to result in an absent or disrupted protein product. Loss-of-function variants in HPS5 are known to be pathogenic (PMID: 12548288, 15296495, 21833017, 26785811). This variant is not present in population databases (gnomAD no frequency). This variant has not been reported in the literature in individuals affected with HPS5-related conditions. Algorithms developed to predict the effect of sequence changes on RNA splicing suggest that this variant may create or strengthen a splice site. For these reasons, this variant has been classified as Pathogenic.

Literature cited by the submitters: PubMed 12548288; PubMed 15296495; PubMed 21833017; PubMed 26785811.